The following is an entry in ClinVar:

NM_000642.3(AGL):c.-76C>G

Gene: AGL (amylo-alpha-1, 6-glucosidase, 4-alpha-glucanotransferase; plus strand). Cytogenetic location: 1p21.2.
Variant type: single nucleotide variant.
Coding change: c.-76C>G on transcript NM_000642.3 (MANE Select); 76 bases upstream of the start codon, C replaced by G.
Molecular consequence: 5 prime UTR variant.
Genome position (GRCh38, 1-based): chr1:99,850,408, C>G. VCF-style: chr1-99850408-C-G. GRCh37 (hg19) VCF-style: chr1-100315964-C-G.
Identifiers: ClinVar variation 389735 (VCV000389735.1), dbSNP rs888498974, ClinGen allele CA16603769.

ClinVar aggregate classification (germline): Likely benign (1 of 4 stars; one submission).

Allele frequency attached by ClinVar (database versions not stated): gnomAD 0.00007 and 0.00016; TOPMed 0.00007 and 0.00006.
gnomAD v4.1: 10 of 152,930 alleles (0.0065%); highest among the groups gnomAD compares: African/African-American, 0.024%; no homozygotes.

Submission:

GeneDx
Classification: Likely benign. Last evaluated: 2016-11-07. Review status: criteria provided, single submitter. Criteria: GeneDx Variant Classification (06012015). Collection method: clinical testing. Allele origin: germline. Affected: yes.
Comment: This variant is considered likely benign or benign based on one or more of the following criteria: it is a conservative change, it occurs at a poorly conserved position in the protein, it is predicted to be benign by multiple in silico algorithms, and/or has population frequency not consistent with disease.